The following is an entry in ClinVar:

ClinVar aggregate classification (germline): Likely benign. Review status: criteria provided, multiple submitters, no conflicts (2 of 4 stars). 3 submissions from 3 submitters: Likely benign (2). 1 of the submissions does not count toward it. Last evaluated 2025-09-03.

Conditions:
PHF21A-related disorder. Also called: PHF21A-related condition.

Allele frequency attached by ClinVar (database versions not stated): gnomAD 0.00030 and 0.00032; 1000 Genomes Project 30x 0.00031; TOPMed 0.00035; 1000 Genomes Project 0.00040; gnomAD exomes 0.00043 and 0.00060; ExAC 0.00046; ESP Exome Variant Server 0.00069.
gnomAD v4.1: 906 of 1,612,408 alleles (0.056%); highest among the groups gnomAD compares: South Asian, 0.09%; 2 homozygotes.

Submissions (3):

Labcorp Genetics (formerly Invitae), Labcorp
Classification: Likely benign. Last evaluated: 2025-09-03. Review status: criteria provided, single submitter. Criteria: Invitae Variant Classification Sherloc (09022015). Collection method: clinical testing. Allele origin: germline.

CeGaT Center for Human Genetics Tuebingen
Classification: Likely benign. Last evaluated: 2023-07-01. Review status: criteria provided, single submitter. Criteria: CeGaT Center For Human Genetics Tuebingen Variant Classification Criteria Version 2. Collection method: clinical testing. Allele origin: germline. Affected: yes. Observed: 2 variant alleles.
Comment: PHF21A: BP4, BP7

PreventionGenetics, part of Exact Sciences
Classification: Likely benign for PHF21A-related condition. Last evaluated: 2022-03-16. Review status: no assertion criteria provided. Collection method: clinical testing. Allele origin: germline. Not counted in ClinVar's aggregate classification.
Comment: This variant is classified as likely benign based on ACMG/AMP sequence variant interpretation guidelines (Richards et al. 2015 PMID: 25741868, with internal and published modifications).

NM_001352027.3(PHF21A):c.1980G>A (p.Thr660=)

Gene: PHF21A (PHD finger protein 21A; minus strand). Cytogenetic location: 11p11.2.
Variant type: single nucleotide variant.
Coding change: c.1980G>A on transcript NM_001352027.3 (MANE Select); coding-DNA position 1980, G replaced by A.
Protein change: p.Thr660=; no amino-acid change (threonine 660 retained).
Molecular consequence: synonymous variant. On other transcripts: non-coding transcript variant (2).
Genome position (GRCh38, 1-based): chr11:45,934,034, C>T on the plus strand (G>A on the coding strand, the complement: PHF21A is on the minus strand). VCF-style: chr11-45934034-C-T. GRCh37 (hg19) VCF-style: chr11-45955585-C-T.
Other names: c.1977G>A, p.Thr659= (NM_001101802.3); c.1980G>A, p.Thr660= (NM_001352025.3, NM_001352026.3); c.1839G>A, p.Thr613= (NM_001352028.1, NM_001352029.1, NM_016621.5); c.1836G>A, p.Thr612= (NM_001352030.3, NM_001352031.3, NM_001352032.3); c.1839G>A (NM_016621.3).
Identifiers: ClinVar variation 719351 (VCV000719351.34), dbSNP rs144966693, ClinGen allele CA5960912.